The following is an entry in ClinVar:

ClinVar aggregate classification (germline): Uncertain significance. Review status: criteria provided, multiple submitters, no conflicts (2 of 4 stars). 2 submissions from 2 submitters: Uncertain significance (2). Last evaluated 2026-09-02.

Conditions:
Inborn genetic diseases. Identifiers: MedGen C0950123, MeSH D030342.
CHRNG-related disorder. Also called: CHRNG-related disorders; CHRNG-related condition.

gnomAD v4.1: 11 of 1,614,152 alleles (0.00068%); highest among the groups gnomAD compares: African/African-American, 0.0093%; no homozygotes.

Submissions (2):

PreventionGenetics, part of Exact Sciences
Classification: Uncertain significance for CHRNG-related condition. Last evaluated: 2026-09-02. Review status: criteria provided, single submitter. Criteria: ACMG Guidelines, 2015. Collection method: clinical testing. Allele origin: germline.
Comment: The CHRNG c.1519G>A variant is predicted to result in the amino acid substitution p.Gly507Arg. To our knowledge, this variant has not been reported in the literature. This variant is reported in 0.0062% of alleles in individuals of African descent in gnomAD. At this time, the clinical significance of this variant is uncertain due to the absence of conclusive functional and genetic evidence.

Ambry Genetics
Classification: Uncertain significance for Inborn genetic diseases. Last evaluated: 2025-08-14. Review status: criteria provided, single submitter. Criteria: Ambry Variant Classification Scheme 2023. Collection method: clinical testing. Allele origin: germline.

NM_005199.5(CHRNG):c.1519G>A (p.Gly507Arg)

Genes: CHRNG (cholinergic receptor nicotinic gamma subunit; plus strand), TIGD1 (tigger transposable element derived 1; minus strand). Cytogenetic location: 2q37.1.
Variant type: single nucleotide variant.
Coding change: c.1519G>A on transcript NM_005199.5 (MANE Select); coding-DNA position 1519, G replaced by A.
Protein change: p.Gly507Arg; replaces glycine 507 with arginine.
Molecular consequence: missense variant. On other transcripts: 3 prime UTR variant (1).
Genome position (GRCh38, 1-based): chr2:232,545,681, G>A. VCF-style: chr2-232545681-G-A. GRCh37 (hg19) VCF-style: chr2-233410391-G-A.
Other names: c.*2426C>T (NM_145702.4); short protein forms G507R.
Identifiers: ClinVar variation 4228543 (VCV004228543.2).
Genomic context (GRCh38, chr2:232,545,681, plus strand): 5'-GGCACAGCTGGCATCTTCCTCATGGCCCACTACAACCGGGTGCCGGCCCTGCCATTCCCT[G>A]GAGATCCACGCCCCTACCTGCCCTCACCAGACTGAGCCAACCAACCACTGTGGGGCATGT-3'
Protein context (NP_005190.4, residues 497-517): YNRVPALPFP[Gly507Arg]DPRPYLPSPD